The following is an entry in ClinVar:

ClinVar aggregate classification (germline): Uncertain significance (1 of 4 stars; one submission).

Allele frequency attached by ClinVar (database versions not stated): gnomAD 0.00001; gnomAD exomes below 0.00001; TOPMed 0.00001.
gnomAD v4.1: 5 of 1,554,850 alleles (0.00032%); highest among the groups gnomAD compares: Non-Finnish European, 0.00035%; no homozygotes.

Submission:

Labcorp Genetics (formerly Invitae), Labcorp
Classification: Uncertain significance. Last evaluated: 2025-12-04. Review status: criteria provided, single submitter. Criteria: Invitae Variant Classification Sherloc (09022015). Collection method: clinical testing. Allele origin: germline.
Comment: This sequence change replaces tryptophan, which is neutral and slightly polar, with arginine, which is basic and polar, at codon 495 of the CACNA1D protein (p.Trp495Arg). This variant is not present in population databases (gnomAD no frequency). This variant has not been reported in the literature in individuals affected with CACNA1D-related conditions. ClinVar contains an entry for this variant (Variation ID: 2893848). An algorithm developed to predict the effect of missense changes on protein structure and function (PolyPhen-2) suggests that this variant is likely to be disruptive. In summary, the available evidence is currently insufficient to determine the role of this variant in disease. Therefore, it has been classified as a Variant of Uncertain Significance.

NM_000720.4(CACNA1D):c.1483T>C (p.Trp495Arg)

Gene: CACNA1D (calcium voltage-gated channel subunit alpha1 D; plus strand). Cytogenetic location: 3p21.1.
Variant type: single nucleotide variant.
Coding change: c.1483T>C on transcript NM_000720.4 (MANE Plus Clinical); coding-DNA position 1483, T replaced by C.
Protein change: p.Trp495Arg; replaces tryptophan 495 with arginine.
Molecular consequence: missense variant. On other transcripts: intron variant (2).
Genome position (GRCh38, 1-based): chr3:53,718,686, T>C. VCF-style: chr3-53718686-T-C. GRCh37 (hg19) VCF-style: chr3-53752713-T-C.
Other names: c.1478+298T>C (NM_001128840.3, NM_001128839.3); short protein forms W495R.
Identifiers: ClinVar variation 2893848 (VCV002893848.3), dbSNP rs1429846782, ClinGen allele CA353236102.